The following is an entry in ClinVar:

NM_001148.6(ANK2):c.2980C>A (p.Pro994Thr)

Gene: ANK2 (ankyrin 2; plus strand). Cytogenetic location: 4q26.
Variant type: single nucleotide variant.
Coding change: c.2980C>A on transcript NM_001148.6 (MANE Select); coding-DNA position 2980, C replaced by A.
Protein change: p.Pro994Thr; replaces proline 994 with threonine.
Molecular consequence: missense variant.
Genome position (GRCh38, 1-based): chr4:113,330,325, C>A. VCF-style: chr4-113330325-C-A. GRCh37 (hg19) VCF-style: chr4-114251481-C-A.
Other names: c.2953C>A, p.Pro985Thr (NM_001127493.3); c.2992C>A, p.Pro998Thr (NM_001354225.2); c.2980C>A, p.Pro994Thr (NM_001354228.2, NM_001354258.2, NM_020977.5); c.3058C>A, p.Pro1020Thr (NM_001354230.2, NM_001354237.2); c.3022C>A, p.Pro1008Thr (NM_001354231.2, NM_001354242.2); c.3016C>A, p.Pro1006Thr (NM_001354232.2); c.2977C>A, p.Pro993Thr (NM_001354235.2, NM_001354236.2, NM_001354246.2 and 1 more transcripts); c.2950C>A, p.Pro984Thr (NM_001354239.2, NM_001354252.2, NM_001354272.2); and 23 more; short protein forms P1020T, P965T, P972T, P973T, P998T, P1008T, P203T, P899T.
Identifiers: ClinVar variation 937742 (VCV000937742.10), dbSNP rs928622061, ClinGen allele CA103822641.

ClinVar aggregate classification (germline): Uncertain significance. Review status: criteria provided, multiple submitters, no conflicts (2 of 4 stars). 2 submissions from 2 submitters: Uncertain significance (2). Last evaluated 2025-02-28.

Conditions:
Cardiovascular phenotype. Identifiers: MedGen CN230736.
Long QT syndrome (LQTS). Identifiers: MedGen C0023976, MeSH D008133, MONDO:0002442. Disease mechanism: loss of function. Inheritance: Various modes of inheritance.

Allele frequency attached by ClinVar (database versions not stated): gnomAD 0.00001 and 0.00002; TOPMed 0.00002.
gnomAD v4.1: 2 of 1,614,062 alleles (0.00012%); highest among the groups gnomAD compares: African/African-American, 0.0027%; no homozygotes.

Submissions (2):

Ambry Genetics
Classification: Uncertain significance for Cardiovascular phenotype. Last evaluated: 2025-02-28. Review status: criteria provided, single submitter. Criteria: Ambry Variant Classification Scheme 2023. Collection method: clinical testing. Allele origin: germline.

Labcorp Genetics (formerly Invitae), Labcorp
Classification: Uncertain significance for Long QT syndrome. Last evaluated: 2019-09-25. Review status: criteria provided, single submitter. Criteria: Invitae Variant Classification Sherloc (09022015). Collection method: clinical testing. Allele origin: germline.
Comment: Algorithms developed to predict the effect of missense changes on protein structure and function are either unavailable or do not agree on the potential impact of this missense change (SIFT: "Deleterious"; PolyPhen-2: "Probably Damaging"; Align-GVGD: "Class C0"). This variant has not been reported in the literature in individuals with ANK2-related conditions. This variant is not present in population databases (ExAC no frequency). This sequence change replaces proline with threonine at codon 994 of the ANK2 protein (p.Pro994Thr). The proline residue is highly conserved and there is a small physicochemical difference between proline and threonine. In summary, the available evidence is currently insufficient to determine the role of this variant in disease. Therefore, it has been classified as a Variant of Uncertain Significance.